The following is an entry in ClinVar:

NM_001395462.2(LUZP1):c.912C>T (p.His304=)

Gene: LUZP1 (leucine zipper protein 1; minus strand). Cytogenetic location: 1p36.12.
Variant type: single nucleotide variant.
Coding change: c.912C>T on transcript NM_001395462.2 (MANE Select); coding-DNA position 912, C replaced by T.
Protein change: p.His304=; no amino-acid change (histidine 304 retained).
Molecular consequence: synonymous variant.
Genome position (GRCh38, 1-based): chr1:23,093,350, G>A on the plus strand (C>T on the coding strand, the complement: LUZP1 is on the minus strand). VCF-style: chr1-23093350-G-A. GRCh37 (hg19) VCF-style: chr1-23419843-G-A.
Other names: c.912C>T, p.His304= (NM_001142546.4, NM_001395461.1, NM_033631.5).
Identifiers: ClinVar variation 5039862 (VCV005039862.1).

ClinVar aggregate classification (germline): Likely benign (1 of 4 stars; one submission).

gnomAD v4.1: 4 of 1,613,284 alleles (0.00025%); highest among the groups gnomAD compares: Non-Finnish European, 0.00034%; no homozygotes.

Submission:

CeGaT Center for Human Genetics Tuebingen
Classification: Likely benign. Last evaluated: 2026-08-01. Review status: criteria provided, single submitter. Criteria: CeGaT Center For Human Genetics Tuebingen Variant Classification Criteria Version 2. Collection method: clinical testing. Allele origin: germline. Affected: yes. Observed: 1 variant allele.
Comment: LUZP1: BP4, BP7